The following is an entry in ClinVar:

ClinVar aggregate classification (germline): Likely benign (1 of 4 stars; one submission).

Allele frequency attached by ClinVar (database versions not stated): gnomAD exomes below 0.00001 and 0.00002; gnomAD 0.00001; TOPMed 0.00002; ExAC 0.00004.
gnomAD v4.1: 2 of 1,301,836 alleles (0.00015%); highest among the groups gnomAD compares: Non-Finnish European, 0.0002%; no homozygotes.

Submission:

GeneDx
Classification: Likely benign. Last evaluated: 2017-06-29. Review status: criteria provided, single submitter. Criteria: GeneDx Variant Classification (06012015). Collection method: clinical testing. Allele origin: germline. Affected: yes.
Comment: This variant is considered likely benign or benign based on one or more of the following criteria: it is a conservative change, it occurs at a poorly conserved position in the protein, it is predicted to be benign by multiple in silico algorithms, and/or has population frequency not consistent with disease.

NM_006876.3(B4GAT1):c.-13A>C

Gene: B4GAT1 (beta-1,4-glucuronyltransferase 1; minus strand). Cytogenetic location: 11q13.2.
Variant type: single nucleotide variant.
Coding change: c.-13A>C on transcript NM_006876.3 (MANE Select); 13 bases upstream of the start codon, A replaced by C.
Molecular consequence: 5 prime UTR variant.
Genome position (GRCh38, 1-based): chr11:66,347,558, T>G on the plus strand (A>C on the coding strand, the complement: B4GAT1 is on the minus strand). VCF-style: chr11-66347558-T-G. GRCh37 (hg19) VCF-style: chr11-66115029-T-G.
Identifiers: ClinVar variation 518203 (VCV000518203.1), dbSNP rs779043130, ClinGen allele CA6120619.